The following is an entry in ClinVar:

ClinVar aggregate classification (germline): Uncertain significance. Review status: criteria provided, multiple submitters, no conflicts (2 of 4 stars). 2 submissions from 2 submitters: Uncertain significance (2). Last evaluated 2025-10-30.

Conditions:
Charcot-Marie-Tooth disease type 2. Also called: Charcot-Marie-Tooth type 2. Identifiers: Orphanet 64746, MedGen C0270914, MONDO:0018993.

Allele frequency attached by ClinVar (database versions not stated): TOPMed 0.00002; 1000 Genomes Project 0.00020; ExAC 0.00002; 1000 Genomes Project 30x 0.00016.
gnomAD v4.1: 13 of 1,613,896 alleles (0.00081%); highest among the groups gnomAD compares: East Asian, 0.018%; no homozygotes.

Submissions (2):

GeneDx
Classification: Uncertain significance. Last evaluated: 2025-10-30. Review status: criteria provided, single submitter. Criteria: GeneDx Variant Classification Process June 2021. Collection method: clinical testing. Allele origin: germline. Affected: yes.
Comment: Reported previously in a cohort of patients with rare and diverse genetic disorders; however, no specific clinical or segregation information was provided (PMID: 30919572); Published functional studies demonstrate a damaging effect and suggest that this variant confers a gain of toxic effect on BSCL2 (PMID: 29934652); In silico analysis suggests that this missense variant does not alter protein structure/function; This variant is associated with the following publications: (PMID: 34426522, 35922214, 30919572, 29934652)

Labcorp Genetics (formerly Invitae), Labcorp
Classification: Uncertain significance for Charcot-Marie-Tooth disease type 2. Last evaluated: 2025-07-07. Review status: criteria provided, single submitter. Criteria: Invitae Variant Classification Sherloc (09022015). Collection method: clinical testing. Allele origin: germline.
Comment: This sequence change replaces alanine, which is neutral and non-polar, with proline, which is neutral and non-polar, at codon 373 of the BSCL2 protein (p.Ala373Pro). This variant is present in population databases (rs199787351, gnomAD 0.02%). This missense change has been observed in individuals with BSCL2-related conditions (PMID: 29934652, 30919572, 35922214). This variant is also known as c.1309G>C, p.Ala437Pro. ClinVar contains an entry for this variant (Variation ID: 234752). An algorithm developed to predict the effect of missense changes on protein structure and function outputs the following: PolyPhen-2: "Benign". The proline amino acid residue is found in multiple mammalian species, which suggests that this missense change does not adversely affect protein function. Experimental studies have shown that this missense change affects BSCL2 function (PMID: 29934652). In summary, the available evidence is currently insufficient to determine the role of this variant in disease. Therefore, it has been classified as a Variant of Uncertain Significance.

Literature cited by the submitters: PubMed 29934652 (cited by Labcorp Genetics (formerly Invitae), Labcorp); PubMed 30919572 (cited by Labcorp Genetics (formerly Invitae), Labcorp); PubMed 35922214 (cited by Labcorp Genetics (formerly Invitae), Labcorp).

NM_001122955.4(BSCL2):c.1309G>C (p.Ala437Pro)

Genes: BSCL2 (BSCL2 lipid droplet biogenesis associated, seipin; minus strand), HNRNPUL2-BSCL2 (HNRNPUL2-BSCL2 readthrough (NMD candidate); minus strand). Cytogenetic location: 11q12.3.
Variant type: single nucleotide variant.
Coding change: c.1309G>C on transcript NM_001122955.4 (MANE Select); coding-DNA position 1309, G replaced by C.
Protein change: p.Ala437Pro; replaces alanine 437 with proline.
Molecular consequence: missense variant. On other transcripts: non-coding transcript variant (1), 3 prime UTR variant (1).
Genome position (GRCh38, 1-based): chr11:62,690,447, C>G on the plus strand (G>C on the coding strand, the complement: BSCL2 is on the minus strand). VCF-style: chr11-62690447-C-G. GRCh37 (hg19) VCF-style: chr11-62457919-C-G.
Other names: c.*111G>C (NM_001130702.2); c.1315G>C, p.Ala439Pro (NM_001386027.1); c.1309G>C, p.Ala437Pro (NM_001386028.1); c.1117G>C, p.Ala373Pro (NM_032667.6); short protein forms A437P, A373P, A439P.
Identifiers: ClinVar variation 234752 (VCV000234752.9), dbSNP rs199787351, ClinGen allele CA6053254.